The following is an entry in ClinVar:

NM_005359.6(SMAD4):c.*3662C>T

Gene: SMAD4 (SMAD family member 4; plus strand). Cytogenetic location: 18q21.2.
Variant type: single nucleotide variant.
Coding change: c.*3662C>T on transcript NM_005359.6 (MANE Select); 3662 bases downstream of the stop codon, C replaced by T.
Molecular consequence: 3 prime UTR variant.
Genome position (GRCh38, 1-based): chr18:51,082,129, C>T. VCF-style: chr18-51082129-C-T. GRCh37 (hg19) VCF-style: chr18-48608499-C-T.
Identifiers: ClinVar variation 888928 (VCV000888928.4), dbSNP rs114852346, ClinGen allele CA15922968.

ClinVar aggregate classification (germline): Benign. Review status: criteria provided, single submitter (1 of 4 stars). 3 submissions from 1 submitter: Benign (3). Last evaluated 2018-01-13.

Conditions:
Myhre syndrome (MYHRS). Also called: LARYNGOTRACHEAL STENOSIS, ARTHROPATHY, PROGNATHISM, AND SHORT STATURE; LAPS SYNDROME. Identifiers: Orphanet 2588, MedGen C0796081, MONDO:0007688, OMIM 139210.
Generalized juvenile polyposis/juvenile polyposis coli. Also called: Juvenile polyposis coli. Identifiers: Orphanet 329971, MedGen C1868081, MONDO:0008276.
Juvenile polyposis/hereditary hemorrhagic telangiectasia syndrome (JPHT). Also called: POLYPOSIS, GENERALIZED JUVENILE, WITH PULMONARY ARTERIOVENOUS MALFORMATION; TELANGIECTASIA, HEREDITARY HEMORRHAGIC, WITH JUVENILE POLYPOSIS COLI; Juvenile Polyposis Syndrome / Hereditary Hemorrhagic Telangiectasia (JPS/HHT); JP/HHT SYNDROME; JUVENILE POLYPOSIS WITH HEREDITARY HEMORRHAGIC TELANGIECTASIA. Identifiers: Orphanet 2929, MedGen C1832942, MONDO:0008278, OMIM 175050.

Allele frequency attached by ClinVar (database versions not stated): gnomAD exomes 0.00082; gnomAD 0.00473 and 0.00503; TOPMed 0.00491; 1000 Genomes Project 0.00499; 1000 Genomes Project 30x 0.00531.
gnomAD v4.1: 782 of 229,506 alleles (0.34%); highest among the groups gnomAD compares: African/African-American, 1.6%; 2 homozygotes.

Submissions (3):

Illumina Laboratory Services, Illumina
Classification: Benign for Juvenile polyposis syndrome. Last evaluated: 2018-01-13. Review status: criteria provided, single submitter. Criteria: ICSL Variant Classification Criteria 13 December 2019. Collection method: clinical testing. Allele origin: germline.
Comment: This variant was observed in the ICSL laboratory as part of a predisposition screen in an ostensibly healthy population. It had not been previously curated by ICSL or reported in the Human Gene Mutation Database (HGMD: prior to June 1st, 2018), and was therefore a candidate for classification through an automated scoring system. Utilizing variant allele frequency, disease prevalence and penetrance estimates, and inheritance mode, an automated score was calculated to assess if this variant is too frequent to cause the disease. Based on the score and internal cut-off values, a variant classified as benign is not then subjected to further curation. The score for this variant resulted in a classification of benign for this disease.

Illumina Laboratory Services, Illumina
Classification: Benign for Juvenile polyposis/hereditary hemorrhagic telangiectasia syndrome. Last evaluated: 2018-01-13. Review status: criteria provided, single submitter. Criteria: ICSL Variant Classification Criteria 13 December 2019. Collection method: clinical testing. Allele origin: germline.
Comment: the same text as in the submission from Illumina Laboratory Services, Illumina above.

Illumina Laboratory Services, Illumina
Classification: Benign for Myhre syndrome. Last evaluated: 2018-01-13. Review status: criteria provided, single submitter. Criteria: ICSL Variant Classification Criteria 13 December 2019. Collection method: clinical testing. Allele origin: germline.
Comment: the same text as in the submission from Illumina Laboratory Services, Illumina above.